The following is an entry in ClinVar:

NM_024996.7(GFM1):c.817dup (p.Ile273fs)

Gene: GFM1 (G elongation factor mitochondrial 1; plus strand). Cytogenetic location: 3q25.32.
Variant type: Duplication.
Coding change: c.817dup on transcript NM_024996.7 (MANE Select); coding-DNA position 817, one base duplicated (A; older notation c.817dupA).
Protein change: p.Ile273fs; shifts the reading frame from isoleucine 273.
Molecular consequence: frameshift variant. On other transcripts: non-coding transcript variant (4).
Genome position (GRCh38, 1-based): chr3:158,652,223, A duplicated; the last of 6 consecutive A bases (chr3:158,652,218-158,652,223); duplicating any one gives the same sequence. VCF-style (leftmost placement, unchanged base first): chr3-158652217-G-GA. GRCh37 (hg19) VCF-style: chr3-158370006-G-GA.
Other names: c.817dupA (NM_024996.5); c.874dup, p.Ile292fs (NM_001308164.2, NM_001374355.1); c.817dup, p.Ile273fs (NM_001308166.2); c.700dup, p.Ile234fs (NM_001374356.1); c.592dup, p.Ile198fs (NM_001374357.1); c.358dup, p.Ile120fs (NM_001374358.1); c.250dup, p.Ile84fs (NM_001374359.1, NM_001374360.1); c.133dup, p.Ile45fs (NM_001374361.1); short protein forms I292fs, I198fs, I234fs, I273fs, I120fs, I45fs, I84fs.
Identifiers: ClinVar variation 1944995 (VCV001944995.9), dbSNP rs1722355988, ClinGen allele CA1414371537.

ClinVar aggregate classification (germline): Pathogenic/Likely pathogenic. Review status: criteria provided, multiple submitters, no conflicts (2 of 4 stars). 4 submissions from 4 submitters: Pathogenic (3); Likely pathogenic (1). Last evaluated 2024-12-10.

Conditions:
Hepatoencephalopathy due to combined oxidative phosphorylation defect type 1. Also called: HEPATOENCEPHALOPATHY, EARLY FATAL PROGRESSIVE. Identifiers: Orphanet 137681, MedGen C1836797, MONDO:0012191, OMIM 609060.

Submissions (4):

Natera, Inc.
Classification: Likely pathogenic for Combined oxidative phosphorylation deficiency 1. Last evaluated: 2024-12-10. Review status: criteria provided, single submitter. Criteria: Natera Variant Classification Schema (03/2026). Collection method: clinical testing. Allele origin: germline.
Comment: The c.817dupA variant in GFM1 is a frameshift variant predicted to shift the reading frame beginning at codon 273 and leads to a stop codon 6 codons downstream. This variant is expected to result in nonsense mediated decay, truncation, or a dysfunctional protein product. This variant is rare in the general population with a frequency below the threshold expected for the associated phenotype(s). Given the available evidence, this variant is classified as Likely Pathogenic.

Fulgent Genetics
Classification: Pathogenic for Hepatoencephalopathy due to combined oxidative phosphorylation defect type 1. Last evaluated: 2024-05-07. Review status: criteria provided, single submitter. Criteria: ACMG Guidelines, 2015. Collection method: clinical testing. Allele origin: germline.

Baylor Genetics
Classification: Pathogenic for Hepatoencephalopathy due to combined oxidative phosphorylation defect type 1. Last evaluated: 2023-11-11. Review status: criteria provided, single submitter. Criteria: ACMG Guidelines, 2015. Collection method: clinical testing. Allele origin: unknown.

Labcorp Genetics (formerly Invitae), Labcorp
Classification: Pathogenic. Last evaluated: 2023-01-03. Review status: criteria provided, single submitter. Criteria: Invitae Variant Classification Sherloc (09022015). Collection method: clinical testing. Allele origin: germline.
Comment: This premature translational stop signal has been observed in individual(s) with clinical features of combined oxidative phosphorylation deficiency (PMID: 32746448). For these reasons, this variant has been classified as Pathogenic. This variant is not present in population databases (gnomAD no frequency). This sequence change creates a premature translational stop signal (p.Ile273Asnfs*6) in the GFM1 gene. It is expected to result in an absent or disrupted protein product. Loss-of-function variants in GFM1 are known to be pathogenic (PMID: 16632485, 17160893).

Literature cited by the submitters: PubMed 32746448 (cited by Labcorp Genetics (formerly Invitae), Labcorp); PubMed 16632485 (cited by Labcorp Genetics (formerly Invitae), Labcorp); PubMed 17160893 (cited by Labcorp Genetics (formerly Invitae), Labcorp).